The following is an entry in ClinVar:

ClinVar aggregate classification (germline): Uncertain significance (1 of 4 stars; one submission).

Conditions:
Duchenne muscular dystrophy (DMD). Also called: MUSCULAR DYSTROPHY, PSEUDOHYPERTROPHIC PROGRESSIVE, DUCHENNE TYPE; Duchenne Muscular Dystrophy (DMD). Identifiers: Orphanet 98896, MedGen C0013264, MONDO:0010679, OMIM 310200.

Submission:

Labcorp Genetics (formerly Invitae), Labcorp
Classification: Uncertain significance for Duchenne muscular dystrophy. Last evaluated: 2025-09-23. Review status: criteria provided, single submitter. Criteria: Invitae Variant Classification Sherloc (09022015). Collection method: clinical testing. Allele origin: germline.
Comment: This sequence change replaces leucine, which is neutral and non-polar, with phenylalanine, which is neutral and non-polar, at codon 402 of the DMD protein (p.Leu402Phe). This variant is not present in population databases (gnomAD no frequency). This variant has not been reported in the literature in individuals affected with DMD-related conditions. Invitae Evidence Modeling of protein sequence and biophysical properties (such as structural, functional, and spatial information, amino acid conservation, physicochemical variation, residue mobility, and thermodynamic stability) indicates that this missense variant is not expected to disrupt DMD protein function with a negative predictive value of 95%. In summary, the available evidence is currently insufficient to determine the role of this variant in disease. Therefore, it has been classified as a Variant of Uncertain Significance.

NM_004006.3(DMD):c.1206G>T (p.Leu402Phe)

Gene: DMD (dystrophin; minus strand). Cytogenetic location: Xp21.1.
Variant type: single nucleotide variant.
Coding change: c.1206G>T on transcript NM_004006.3 (MANE Select); coding-DNA position 1206, G replaced by T.
Protein change: p.Leu402Phe; replaces leucine 402 with phenylalanine.
Molecular consequence: missense variant.
Genome position (GRCh38, 1-based): chrX:32,644,257, C>A on the plus strand (G>T on the coding strand, the complement: DMD is on the minus strand). VCF-style: chrX-32644257-C-A. GRCh37 (hg19) VCF-style: chrX-32662374-C-A.
Other names: c.1182G>T, p.Leu394Phe (NM_000109.4); c.1194G>T, p.Leu398Phe (NM_004009.3); c.837G>T, p.Leu279Phe (NM_004010.3); short protein forms L394F, L279F, L398F, L402F.
Identifiers: ClinVar variation 4747682 (VCV004747682.1).